The following is an entry in ClinVar:

NC_000022.10:g.(?_45958792)_(46971995_?)del

Genes: ATXN10 (ataxin 10; plus strand), CDPF1 (cysteine rich DPF motif domain containing 1; minus strand), CELSR1 (cadherin EGF LAG seven-pass G-type receptor 1; minus strand), FBLN1 (fibulin 1; plus strand), GTSE1 (G2 and S-phase expressed 1; plus strand) and 8 more. Cytogenetic location: 22q13.31.
Variant type: Deletion.
Identifiers: ClinVar variation 3248117 (VCV003248117.1).

ClinVar aggregate classification (germline): Pathogenic (1 of 4 stars; one submission).

Submission:

Labcorp Genetics (formerly Invitae), Labcorp
Classification: Pathogenic. Last evaluated: 2023-08-16. Review status: criteria provided, single submitter. Criteria: Invitae Variant Classification Sherloc (09022015). Collection method: clinical testing. Allele origin: unknown.
Comment: A gross deletion of the genomic region encompassing the full coding sequence of the CELSR1 gene has been identified. Loss-of-function variants in CELSR1 are known to be pathogenic (PMID: 26855770, 31215153). The boundaries of this event are unknown as they extend beyond the assayed region for this gene and therefore may encompass additional genes. This variant has not been reported in the literature in individuals affected with CELSR1-related conditions. For these reasons, this variant has been classified as Pathogenic.

Literature cited by the submitters: PubMed 26855770; PubMed 31215153.